The following is an entry in ClinVar:

ClinVar aggregate classification (germline): Uncertain significance (1 of 4 stars; one submission).

Conditions:
Hypertrophic cardiomyopathy. Also called: HYPERTROPHIC MYOCARDIOPATHY. Identifiers: Orphanet 217569, MedGen C0007194, MeSH D002312, MONDO:0005045, HP:0001639.

Allele frequency attached by ClinVar (database versions not stated): TOPMed below 0.00001.

Submission:

Labcorp Genetics (formerly Invitae), Labcorp
Classification: Uncertain significance for Hypertrophic cardiomyopathy. Last evaluated: 2023-09-25. Review status: criteria provided, single submitter. Criteria: Invitae Variant Classification Sherloc (09022015). Collection method: clinical testing. Allele origin: germline.
Comment: This variant is not present in population databases (gnomAD no frequency). This sequence change replaces lysine, which is basic and polar, with arginine, which is basic and polar, at codon 565 of the MYBPC3 protein (p.Lys565Arg). This variant has not been reported in the literature in individuals affected with MYBPC3-related conditions. In summary, the available evidence is currently insufficient to determine the role of this variant in disease. Therefore, it has been classified as a Variant of Uncertain Significance. An algorithm developed to predict the effect of missense changes on protein structure and function (PolyPhen-2) suggests that this variant is likely to be disruptive.

NM_000256.3(MYBPC3):c.1694A>G (p.Lys565Arg)

Gene: MYBPC3 (myosin binding protein C3; minus strand). Cytogenetic location: 11p11.2.
Variant type: single nucleotide variant.
Coding change: c.1694A>G on transcript NM_000256.3 (MANE Select); coding-DNA position 1694, A replaced by G.
Protein change: p.Lys565Arg; replaces lysine 565 with arginine.
Molecular consequence: missense variant.
Genome position (GRCh38, 1-based): chr11:47,342,087, T>C on the plus strand (A>G on the coding strand, the complement: MYBPC3 is on the minus strand). VCF-style: chr11-47342087-T-C. GRCh37 (hg19) VCF-style: chr11-47363638-T-C.
Other names: short protein forms K565R.
Identifiers: ClinVar variation 2911546 (VCV002911546.3), dbSNP rs2095889226, ClinGen allele CA380324357.